The following is an entry in ClinVar:

ClinVar aggregate classification (germline): Pathogenic (1 of 4 stars; one submission).

Conditions:
Familial adenomatous polyposis 1 (FAP1). Also called: FAMILIAL ADENOMATOUS POLYPOSIS 1, ATTENUATED; POLYPOSIS, ADENOMATOUS INTESTINAL. Identifiers: MedGen C2713442, MONDO:0021056, OMIM 175100. Disease mechanism: loss of function.

Submission:

Myriad Genetics, Inc.
Classification: Pathogenic for Familial adenomatous polyposis 1. Last evaluated: 2023-05-16. Review status: criteria provided, single submitter. Criteria: Myriad Autosomal Dominant, Autosomal Recessive and X-Linked Classification Criteria (2023). Collection method: clinical testing. Allele origin: unknown.
Comment: This variant is considered pathogenic. This variant creates a termination codon and is predicted to result in premature protein truncation.

NM_000038.6(APC):c.7318C>T (p.Gln2440Ter)

Gene: APC (APC regulator of Wnt signaling pathway; plus strand). Cytogenetic location: 5q22.2.
Variant type: single nucleotide variant.
Coding change: c.7318C>T on transcript NM_000038.6 (MANE Select); coding-DNA position 7318, C replaced by T.
Protein change: p.Gln2440Ter; replaces glutamine 2440 with a stop codon.
Molecular consequence: nonsense. On other transcripts: non-coding transcript variant (2).
Genome position (GRCh38, 1-based): chr5:112,842,912, C>T. VCF-style: chr5-112842912-C-T. GRCh37 (hg19) VCF-style: chr5-112178609-C-T.
Other names: c.7015C>T, p.Gln2339Ter (NM_001354903.2, NM_001407458.1, NM_001407459.1 and 1 more transcripts); c.6838C>T, p.Gln2280Ter (NM_001354905.2); c.6469C>T, p.Gln2157Ter (NM_001354906.2, NM_001407470.1); c.7402C>T, p.Gln2468Ter (NM_001407446.1); c.6940C>T, p.Gln2314Ter (NM_001354904.2); c.7372C>T, p.Gln2458Ter (NM_001407447.1, NM_001354896.2, NM_001407448.1 and 1 more transcripts); c.7318C>T, p.Gln2440Ter (NM_001127510.3, NM_001354895.2, NM_001407450.1); c.7264C>T, p.Gln2422Ter (NM_001127511.3); and 11 more; short protein forms Q2056*, Q2157*, Q2280*, Q2311*, Q2314*, Q2339*, Q2349*, Q2357*.
Identifiers: ClinVar variation 2584160 (VCV002584160.1), dbSNP rs1270166239, ClinGen allele CA16037267.